The following is an entry in ClinVar:

NM_001291746.2(REL):c.154-40G>A

Gene: REL (REL proto-oncogene, NF-kB subunit; plus strand). Cytogenetic location: 2p16.1.
Variant type: single nucleotide variant.
Coding change: c.154-40G>A on transcript NM_001291746.2 (MANE Select); 40 bases into the intron before coding-DNA position 154, G replaced by A.
Molecular consequence: intron variant.
Genome position (GRCh38, 1-based): chr2:60,894,357, G>A. VCF-style: chr2-60894357-G-A. GRCh37 (hg19) VCF-style: chr2-61121492-G-A.
Other names: c.154-40G>A (NM_002908.4).
Identifiers: ClinVar variation 2688192 (VCV002688192.2), dbSNP rs842644, ClinGen allele CA1672154.

ClinVar aggregate classification (germline): Benign (1 of 4 stars; one submission).

Allele frequency attached by ClinVar (database versions not stated): ExAC 0.94972; TOPMed 0.95927; ESP Exome Variant Server 0.96336; 1000 Genomes Project 30x 0.97533; 1000 Genomes Project 0.97544.
gnomAD v4.1: 1,166,547 of 1,233,650 alleles (95%); highest among the groups gnomAD compares: East Asian, 100%; 551,919 homozygotes.

Submission:

Unidad de Genómica Garrahan, Hospital de Pediatría Garrahan
Classification: Benign. Last evaluated: 2024-01-24. Review status: criteria provided, single submitter. Criteria: ACMG Guidelines, 2015. Collection method: clinical testing. Allele origin: germline. Affected: no. Observed: 94 variant alleles.
Comment: This variant is classified as Benign based on local population frequency. This variant was detected in 99% of patients studied by a panel of primary immunodeficiencies. Number of patients: 94. Only high quality variants are reported.